The following is an entry in ClinVar:

ClinVar aggregate classification (germline): Uncertain significance. Review status: criteria provided, multiple submitters, no conflicts (2 of 4 stars). 4 submissions from 4 submitters: Uncertain significance (4). Last evaluated 2025-12-08.

Conditions:
Hereditary cancer-predisposing syndrome. Also called: Hereditary neoplastic syndrome; Hereditary Cancer Syndrome; Tumor predisposition; Neoplastic Syndromes, Hereditary. Identifiers: Orphanet 140162, MedGen C0027672, MeSH D009386, MONDO:0015356.
Hereditary nonpolyposis colorectal neoplasms. Identifiers: MedGen C0009405, MeSH D003123.

gnomAD v4.1: 3 of 1,614,152 alleles (0.00019%); highest among the groups gnomAD compares: Non-Finnish European, 0.00025%; no homozygotes.

Submissions (4):

Color Diagnostics, LLC DBA Color Health
Classification: Uncertain significance for Hereditary cancer-predisposing syndrome. Last evaluated: 2025-12-08. Review status: criteria provided, single submitter. Criteria: ACMG Guidelines, 2015. Collection method: clinical testing. Allele origin: germline.
Comment: This missense variant replaces leucine with tryptophan at codon 1081 of the MSH6 protein. Computational prediction is inconclusive regarding the impact of this variant on protein structure and function. To our knowledge, functional studies have not been reported for this variant. This variant has not been reported in individuals affected with MSH6-related disorders in the literature. This variant has not been identified in the general population by the Genome Aggregation Database (gnomAD). The available evidence is insufficient to determine the role of this variant in disease conclusively. Therefore, this variant is classified as a Variant of Uncertain Significance.

Ambry Genetics
Classification: Uncertain significance for Hereditary cancer-predisposing syndrome. Last evaluated: 2025-09-19. Review status: criteria provided, single submitter. Criteria: Ambry Variant Classification Scheme 2023. Collection method: clinical testing. Allele origin: germline.
Comment: The p.L1081W variant (also known as c.3242T>G), located in coding exon 5 of the MSH6 gene, results from a T to G substitution at nucleotide position 3242. The leucine at codon 1081 is replaced by tryptophan, an amino acid with similar properties. This amino acid position is conserved. In addition, the in silico prediction for this alteration is inconclusive. Based on the available evidence, the clinical significance of this variant remains unclear.

Labcorp Genetics (formerly Invitae), Labcorp
Classification: Uncertain significance for Hereditary nonpolyposis colorectal neoplasms. Last evaluated: 2024-05-16. Review status: criteria provided, single submitter. Criteria: Invitae Variant Classification Sherloc (09022015). Collection method: clinical testing. Allele origin: germline.
Comment: This sequence change replaces leucine, which is neutral and non-polar, with tryptophan, which is neutral and slightly polar, at codon 1081 of the MSH6 protein (p.Leu1081Trp). This variant is not present in population databases (gnomAD no frequency). This variant has not been reported in the literature in individuals affected with MSH6-related conditions. ClinVar contains an entry for this variant (Variation ID: 439207). Advanced modeling of protein sequence and biophysical properties (such as structural, functional, and spatial information, amino acid conservation, physicochemical variation, residue mobility, and thermodynamic stability) performed at Invitae indicates that this missense variant is not expected to disrupt MSH6 protein function with a negative predictive value of 95%. In summary, the available evidence is currently insufficient to determine the role of this variant in disease. Therefore, it has been classified as a Variant of Uncertain Significance.

Quest Diagnostics Nichols Institute San Juan Capistrano
Classification: Uncertain significance. Last evaluated: 2017-06-17. Review status: criteria provided, single submitter. Criteria: Quest Diagnostics criteria. Collection method: clinical testing. Allele origin: germline.

NM_000179.3(MSH6):c.3242T>G (p.Leu1081Trp)

Gene: MSH6 (mutS homolog 6; plus strand). Cytogenetic location: 2p16.3.
Variant type: single nucleotide variant.
Coding change: c.3242T>G on transcript NM_000179.3 (MANE Select); coding-DNA position 3242, T replaced by G.
Protein change: p.Leu1081Trp; replaces leucine 1081 with tryptophan.
Molecular consequence: missense variant.
Genome position (GRCh38, 1-based): chr2:47,803,489, T>G. VCF-style: chr2-47803489-T-G. GRCh37 (hg19) VCF-style: chr2-48030628-T-G.
Other names: c.2852T>G, p.Leu951Trp (NM_001281492.2); c.2336T>G, p.Leu779Trp (NM_001281493.2, NM_001281494.2); short protein forms L1081W, L779W, L951W.
Identifiers: ClinVar variation 439207 (VCV000439207.10), dbSNP rs1553331349, ClinGen allele CA346758098.